The following is an entry in ClinVar:

NM_004859.4(CLTC):c.4862_4866del (p.Lys1621fs)

Gene: CLTC (clathrin heavy chain; plus strand). Cytogenetic location: 17q23.1.
Variant type: Deletion.
Coding change: c.4862_4866del on transcript NM_004859.4 (MANE Select); coding-DNA positions 4862 to 4866, 5 bases deleted (AAGAA; older notation c.4862_4866delAAGAA).
Protein change: p.Lys1621fs; shifts the reading frame from lysine 1621.
Molecular consequence: frameshift variant.
Genome position (GRCh38, 1-based): chr17:59,690,670-59,690,674, AAGAA deleted; deleting any 5 consecutive bases within chr17:59,690,666-59,690,674 gives the same sequence; the c. name uses the placement nearest the transcript's 3' end. VCF-style (leftmost placement, unchanged base first): chr17-59690665-GAGAAA-G. GRCh37 (hg19) VCF-style: chr17-57768026-GAGAAA-G.
Other names: c.4874_4878del, p.Lys1625fs (NM_001288653.2); short protein forms K1621fs, K1625fs.
Identifiers: ClinVar variation 2251250 (VCV002251250.2), dbSNP rs2509165121, ClinGen allele CA2580094356.
Genomic context (GRCh38, chr17:59,690,665, plus strand): 5'-GTGCTAATTAACATGATGTGTTTTTCTCCAGGTGGATAAATTAGATGCTTCAGAATCACT[GAGAAA>G]AGAAGAAGAACAAGCTACAGAGACACAACCCATTGTTTATGGTAATCTCTCTCTGTAACC-3'

ClinVar aggregate classification (germline): Likely pathogenic (1 of 4 stars; one submission).

Conditions:
Inborn genetic diseases. Identifiers: MedGen C0950123, MeSH D030342.

Submission:

Ambry Genetics
Classification: Likely pathogenic for Inborn genetic diseases. Last evaluated: 2021-11-05. Review status: criteria provided, single submitter. Criteria: Ambry Variant Classification Scheme 2023. Collection method: clinical testing. Allele origin: germline.
Comment: The c.4862_4866delAAGAA (p.K1621Rfs*56) alteration, located in exon 31 (coding exon 31) of the CLTC gene, consists of a deletion of 5 nucleotides from position 4862 to 4866, causing a translational frameshift with a predicted alternate stop codon after 56 amino acids. This alteration occurs at the 3' terminus of the CLTC gene, is not expected to trigger nonsense-mediated mRNA decay, and only impacts the last 3.3% of the protein. However, premature stop codons are typically deleterious in nature and the impacted region is critical for protein function (Ambry internal data). This variant was not reported in population-based cohorts in the Genome Aggregation Database (gnomAD). Reminder to add coseg data to report Based on the available evidence, this alteration is classified as likely pathogenic.